The following is an entry in ClinVar:

NM_005751.5(AKAP9):c.610G>A (p.Asp204Asn)

Gene: AKAP9 (A-kinase anchoring protein 9; plus strand). Cytogenetic location: 7q21.2.
Variant type: single nucleotide variant.
Coding change: c.610G>A on transcript NM_005751.5 (MANE Select); coding-DNA position 610, G replaced by A.
Protein change: p.Asp204Asn; replaces aspartic acid 204 with asparagine.
Molecular consequence: missense variant.
Genome position (GRCh38, 1-based): chr7:91,994,654, G>A. VCF-style: chr7-91994654-G-A. GRCh37 (hg19) VCF-style: chr7-91623968-G-A.
Other names: c.610G>A, p.Asp204Asn (NM_147185.3); short protein forms D204N.
Identifiers: ClinVar variation 190513 (VCV000190513.18), dbSNP rs148920964, ClinGen allele CA235646.

ClinVar aggregate classification (germline): Likely benign. Review status: criteria provided, multiple submitters, no conflicts (2 of 4 stars). 6 submissions from 6 submitters: Likely benign (5). 1 of the submissions does not count toward it. Last evaluated 2025-05-09.

Conditions:
Cardiovascular phenotype. Identifiers: MedGen CN230736.
Long QT syndrome (LQTS). Identifiers: MedGen C0023976, MeSH D008133, MONDO:0002442. Disease mechanism: loss of function. Inheritance: Various modes of inheritance.
Long QT syndrome 11 (LQT11). Identifiers: Orphanet 101016, Orphanet 768, MedGen C2678483, MONDO:0012738, OMIM 611820.

Allele frequency attached by ClinVar (database versions not stated): gnomAD 0.00011 and 0.00019; TOPMed 0.00016; 1000 Genomes Project 0.00020; ESP Exome Variant Server 0.00023; gnomAD exomes 0.00023 and 0.00050; 1000 Genomes Project 30x 0.00031; ExAC 0.00054.
gnomAD v4.1: 380 of 1,613,204 alleles (0.024%); highest among the groups gnomAD compares: South Asian, 0.24%; 1 homozygote.

Submissions (6):

Labcorp Genetics (formerly Invitae), Labcorp
Classification: Likely benign for Long QT syndrome. Last evaluated: 2025-05-09. Review status: criteria provided, single submitter. Criteria: Invitae Variant Classification Sherloc (09022015). Collection method: clinical testing. Allele origin: germline.

Blueprint Genetics
Classification: Likely benign. Last evaluated: 2024-09-05. Review status: criteria provided, single submitter. Criteria: ACMG Guidelines, 2015. Collection method: clinical testing. Allele origin: germline.

Fulgent Genetics
Classification: Likely benign for Long QT syndrome 11. Last evaluated: 2021-10-14. Review status: criteria provided, single submitter. Criteria: ACMG Guidelines, 2015. Collection method: clinical testing. Allele origin: unknown.

Ambry Genetics
Classification: Likely benign for Cardiovascular phenotype. Last evaluated: 2020-06-08. Review status: criteria provided, single submitter. Criteria: Ambry Variant Classification Scheme 2023. Collection method: clinical testing. Allele origin: germline.

Biesecker Lab/Clinical Genomics Section, National Institutes of Health
Classification: Likely benign. Last evaluated: 2013-06-24. Review status: criteria provided, single submitter. Criteria: Ng et al. (Circ Cardiovasc Genet. 2013). Collection method: research. Allele origin: unknown. Observed: 1 variant allele. Study: ClinSeq.
Comment: The study set was not selected for affection status in relation to any cancer. Pathogenicity categories were based on literature curation. See Pubmed ID:23861362 for details.

Medical sequencing

Division of Human Genetics, Children's Hospital of Philadelphia
Classification: Uncertain significance for Long QT syndrome 11. Last evaluated: 2016-05-24. Review status: no assertion criteria provided. Collection method: research. Allele origin: maternal. Affected: yes. Study: CSER-PediSeq. Not counted in ClinVar's aggregate classification.